The following is an entry in ClinVar:

NM_002723.6(PRB4):c.195A>C (p.Gly65=)

Gene: PRB4 (proline rich protein BstNI subfamily 4; minus strand). Cytogenetic location: 12p13.2.
Variant type: single nucleotide variant.
Coding change: c.195A>C on transcript NM_002723.6 (MANE Select); coding-DNA position 195, A replaced by C.
Protein change: p.Gly65=; no amino-acid change (glycine 65 retained).
Molecular consequence: synonymous variant.
Genome position (GRCh38, 1-based): chr12:11,308,788, T>G on the plus strand (A>C on the coding strand, the complement: PRB4 is on the minus strand). VCF-style: chr12-11308788-T-G. GRCh37 (hg19) VCF-style: chr12-11461722-T-G.
Other names: c.195A>C, p.Gly65= (NM_001261399.3).
Identifiers: ClinVar variation 3770480 (VCV003770480.13).

ClinVar aggregate classification (germline): Likely benign (1 of 4 stars; one submission).

Submission:

CeGaT Center for Human Genetics Tuebingen
Classification: Likely benign. Last evaluated: 2025-06-01. Review status: criteria provided, single submitter. Criteria: CeGaT Center For Human Genetics Tuebingen Variant Classification Criteria Version 2. Collection method: clinical testing. Allele origin: germline. Affected: yes. Observed: 2 variant alleles.
Comment: PRB4: BP4, BP7